The following is an entry in ClinVar:

NM_001042492.3(NF1):c.4018del (p.Leu1340fs)

Gene: NF1 (neurofibromin 1; plus strand). Cytogenetic location: 17q11.2.
Variant type: Deletion.
Coding change: c.4018del on transcript NM_001042492.3 (MANE Select); coding-DNA position 4018, one base deleted (C; older notation c.4018delC).
Protein change: p.Leu1340fs; shifts the reading frame from leucine 1340.
Molecular consequence: frameshift variant.
Genome position (GRCh38, 1-based): chr17:31,249,027, C deleted; the last of 2 consecutive C bases (chr17:31,249,026-31,249,027); deleting either gives the same sequence. VCF-style (leftmost placement, unchanged base first): chr17-31249025-TC-T. GRCh37 (hg19) VCF-style: chr17-29576043-TC-T.
Other names: c.4018delC (NM_000267.3); c.4018delC, p.Leu1340Phefs (NM_000267.4); short protein forms L1340fs.
Identifiers: ClinVar variation 996406 (VCV000996406.4), dbSNP rs2067448975, ClinGen allele CA2255566612.

ClinVar aggregate classification (germline): Pathogenic/Likely pathogenic. Review status: criteria provided, multiple submitters, no conflicts (2 of 4 stars). 2 submissions from 2 submitters: Pathogenic (1); Likely pathogenic (1). Last evaluated 2020-10-26.

Conditions:
Neurofibromatosis, type 1 (NF1). Also called: VON RECKLINGHAUSEN DISEASE; Peripheral type neurofibromatosis; Neurofibromatosis, type I; NEUROFIBROMATOSIS, TYPE I, SOMATIC. Identifiers: Orphanet 636, MedGen C0027831, MONDO:0018975, OMIM 162200. Disease mechanism: loss of function.
Neurofibromatosis, familial spinal (FSNF). Identifiers: Orphanet 636, MedGen C1834235, MONDO:0008078, OMIM 162210. Disease mechanism: loss of function.
Juvenile myelomonocytic leukemia (JMML). Also called: LEUKEMIA, JUVENILE MYELOMONOCYTIC, SOMATIC. Identifiers: Orphanet 86834, MedGen C0349639, MONDO:0011908, OMIM 607785, HP:0012209.
Neurofibromatosis-Noonan syndrome (NFNS). Also called: NEUROFIBROMATOSIS WITH NOONAN PHENOTYPE. Identifiers: Orphanet 638, MedGen C2931482, MONDO:0011035, OMIM 601321. Disease mechanism: loss of function.
Café-au-lait macules with pulmonary stenosis (WTSN). Also called: PULMONIC STENOSIS WITH CAFE-AU-LAIT SPOTS. Identifiers: MedGen C0553586, MONDO:0008672, OMIM 193520.

Submissions (2):

Genome Diagnostics Laboratory, The Hospital for Sick Children
Classification: Likely pathogenic for Neurofibromatosis, type 1. Last evaluated: 2020-10-26. Review status: criteria provided, single submitter. Criteria: ACMG Guidelines, 2015. Collection method: clinical testing. Allele origin: germline. Affected: yes.

Juno Genomics, Hangzhou Juno Genomics, Inc
Classification: Pathogenic for Café-au-lait macules with pulmonary stenosis; Neurofibromatosis, type 1; Juvenile myelomonocytic leukemia; Neurofibromatosis, familial spinal; Neurofibromatosis-Noonan syndrome. Review status: criteria provided, single submitter. Criteria: ACMG Guidelines, 2015. Collection method: clinical testing. Allele origin: germline. Affected: yes.
Comment: Absent from controls (or at extremely low frequency if recessive) in Genome Aggregation Database.;Null variant in a gene where loss of function (LOF) is a known mechanism of disease.;De novo (both maternity and paternity confirmed) in a patient with the disease and no family history.